The following is an entry in ClinVar:

NM_032737.4(LMNB2):c.1409C>T (p.Ala470Val)

Gene: LMNB2 (lamin B2; minus strand). Cytogenetic location: 19p13.3.
Variant type: single nucleotide variant.
Coding change: c.1409C>T on transcript NM_032737.4 (MANE Select); coding-DNA position 1409, C replaced by T.
Protein change: p.Ala470Val; replaces alanine 470 with valine.
Molecular consequence: missense variant.
Genome position (GRCh38, 1-based): chr19:2,433,899, G>A on the plus strand (C>T on the coding strand, the complement: LMNB2 is on the minus strand). VCF-style: chr19-2433899-G-A. GRCh37 (hg19) VCF-style: chr19-2433897-G-A.
Other names: short protein forms A470V.
Identifiers: ClinVar variation 1928525 (VCV001928525.5), dbSNP rs2512234528, ClinGen allele CA403251589.

ClinVar aggregate classification (germline): Uncertain significance (1 of 4 stars; one submission).

Conditions:
Progressive myoclonic epilepsy type 9. Identifiers: Orphanet 457265, MedGen C4225289, MONDO:0014685, OMIM 616540.
Lipodystrophy, partial, acquired, susceptibility to (APLD). Also called: APLD, SUSCEPTIBILITY TO. Identifiers: MedGen C3887501, MONDO:0100476, OMIM 608709.

Allele frequency attached by ClinVar (database versions not stated): gnomAD exomes below 0.00001.
gnomAD v4.1: 3 of 1,612,288 alleles (0.00019%); highest among the groups gnomAD compares: African/African-American, 0.004%; no homozygotes.

Submission:

Labcorp Genetics (formerly Invitae), Labcorp
Classification: Uncertain significance for Progressive myoclonic epilepsy type 9; Lipodystrophy, partial, acquired, susceptibility to. Last evaluated: 2022-10-25. Review status: criteria provided, single submitter. Criteria: Invitae Variant Classification Sherloc (09022015). Collection method: clinical testing. Allele origin: germline.
Comment: This variant has not been reported in the literature in individuals affected with LMNB2-related conditions. This sequence change replaces alanine, which is neutral and non-polar, with valine, which is neutral and non-polar, at codon 470 of the LMNB2 protein (p.Ala470Val). This variant is not present in population databases (gnomAD no frequency). Advanced modeling of protein sequence and biophysical properties (such as structural, functional, and spatial information, amino acid conservation, physicochemical variation, residue mobility, and thermodynamic stability) performed at Invitae indicates that this missense variant is not expected to disrupt LMNB2 protein function. In summary, the available evidence is currently insufficient to determine the role of this variant in disease. Therefore, it has been classified as a Variant of Uncertain Significance.